The following is an entry in ClinVar:

ClinVar aggregate classification (germline): Uncertain significance (0 of 4 stars; one submission).

Conditions:
SYNE1-related disorder. Also called: SYNE1-related disease; SYNE1-related condition; SYNE1-related disorders.

Submission:

PreventionGenetics, part of Exact Sciences
Classification: Uncertain significance for SYNE1-related condition. Last evaluated: 2024-09-18. Review status: no assertion criteria provided. Collection method: clinical testing. Allele origin: germline.
Comment: The SYNE1 c.9265A>T variant is predicted to result in the amino acid substitution p.Asn3089Tyr. To our knowledge, this variant has not been reported in the literature or in a large population database, indicating this variant is rare. At this time, the clinical significance of this variant is uncertain due to the absence of conclusive functional and genetic evidence.

NM_182961.4(SYNE1):c.9244A>T (p.Asn3082Tyr)

Gene: SYNE1 (spectrin repeat containing nuclear envelope protein 1; minus strand). Cytogenetic location: 6q25.2.
Variant type: single nucleotide variant.
Coding change: c.9244A>T on transcript NM_182961.4 (MANE Select); coding-DNA position 9244, A replaced by T.
Protein change: p.Asn3082Tyr; replaces asparagine 3082 with tyrosine.
Molecular consequence: missense variant.
Genome position (GRCh38, 1-based): chr6:152,376,461, T>A on the plus strand (A>T on the coding strand, the complement: SYNE1 is on the minus strand). VCF-style: chr6-152376461-T-A. GRCh37 (hg19) VCF-style: chr6-152697596-T-A.
Other names: c.9265A>T, p.Asn3089Tyr (NM_033071.5); short protein forms N3082Y, N3089Y.
Identifiers: ClinVar variation 3344185 (VCV003344185.1).